The following is an entry in ClinVar:

ClinVar aggregate classification (germline): Uncertain significance (1 of 4 stars; one submission).

Conditions:
Generalized epilepsy with febrile seizures plus, type 9 (GEFSP9). Also called: GEFS+, TYPE 9. Identifiers: Orphanet 36387, MedGen C4015395, MONDO:0014517, OMIM 616172.

Submission:

Labcorp Genetics (formerly Invitae), Labcorp
Classification: Uncertain significance for Generalized epilepsy with febrile seizures plus, type 9. Last evaluated: 2019-07-19. Review status: criteria provided, single submitter. Criteria: Invitae Variant Classification Sherloc (09022015). Collection method: clinical testing. Allele origin: germline.
Comment: This sequence change replaces leucine with serine at codon 278 of the STX1B protein (p.Leu278Ser). The leucine residue is highly conserved and there is a large physicochemical difference between leucine and serine. This variant is not present in population databases (ExAC no frequency). This variant has not been reported in the literature in individuals with STX1B-related conditions. Algorithms developed to predict the effect of missense changes on protein structure and function are either unavailable or do not agree on the potential impact of this missense change (SIFT: "Deleterious"; PolyPhen-2: "Possibly Damaging"; Align-GVGD: "Class C15"). In summary, the available evidence is currently insufficient to determine the role of this variant in disease. Therefore, it has been classified as a Variant of Uncertain Significance.

NM_052874.5(STX1B):c.833T>C (p.Leu278Ser)

Gene: STX1B (syntaxin 1B; minus strand). Cytogenetic location: 16p11.2.
Variant type: single nucleotide variant.
Coding change: c.833T>C on transcript NM_052874.5 (MANE Select); coding-DNA position 833, T replaced by C.
Protein change: p.Leu278Ser; replaces leucine 278 with serine.
Molecular consequence: missense variant.
Genome position (GRCh38, 1-based): chr16:30,992,855, A>G on the plus strand (T>C on the coding strand, the complement: STX1B is on the minus strand). VCF-style: chr16-30992855-A-G. GRCh37 (hg19) VCF-style: chr16-31004176-A-G.
Other names: short protein forms L278S.
Identifiers: ClinVar variation 849864 (VCV000849864.9), dbSNP rs2056569948, ClinGen allele CA395645913.
Genomic context (GRCh38, chr16:30,992,855, plus strand): 5'-CTGGGAGAGAGAAGGGTGGGGGGGGCCTACAAGCCCAGCGTCCCCCCAATGGATGACGCC[A>G]AGACCACCCCCAGCACCACACAGCAAATGATGATCATGATTTTCTTCTGCAGCAGAAAGA-3'
Protein context (NP_443106.1, residues 268-288): IICCVVLGVV[Leu278Ser]ASSIGGTLGL